The following is an entry in ClinVar:

NM_000051.4(ATM):c.3285-9_3285-5delinsGTTC

Gene: ATM (ATM serine/threonine kinase; plus strand). Cytogenetic location: 11q22.3.
Variant type: Indel.
Coding change: c.3285-9_3285-5delinsGTTC on transcript NM_000051.4 (MANE Select); 9 bases into the intron before coding-DNA position 3285 through 5 bases into the intron before coding-DNA position 3285, TGTTT replaced by GTTC.
Molecular consequence: intron variant.
Genome position (GRCh38, 1-based): chr11:108,279,482-108,279,486, TGTTT replaced by GTTC. VCF-style: chr11-108279482-TGTTT-GTTC. GRCh37 (hg19) VCF-style: chr11-108150209-TGTTT-GTTC.
Other names: c.3285-9_3285-5delTGTTTinsGTTC (NM_000051.3); c.3285-9_3285-5delinsGTTC (NM_001351834.2).
Identifiers: ClinVar variation 422937 (VCV000422937.4), dbSNP rs1064796108, ClinGen allele CA16619157.

ClinVar aggregate classification (germline): Conflicting classifications of pathogenicity. Review status: criteria provided, conflicting classifications (1 of 4 stars). 2 submissions from 2 submitters: Uncertain significance (1); Likely benign (1). Last evaluated 2024-05-14.

Conditions:
Familial cancer of breast. Also called: Hereditary breast cancer; BREAST CANCER, FAMILIAL; hereditary breast carcinoma. Identifiers: Orphanet 227535, MedGen C0346153, MONDO:0016419, OMIM 114480. Disease mechanism: loss of function.

Submissions (2):

Myriad Genetics, Inc.
Classification: Likely benign for Familial cancer of breast. Last evaluated: 2024-05-14. Review status: criteria provided, single submitter. Criteria: Myriad Autosomal Dominant, Autosomal Recessive and X-Linked Classification Criteria (2023). Collection method: clinical testing. Allele origin: unknown.
Comment: This variant is considered likely benign. This variant is intronic and is not expected to impact mRNA splicing.

GeneDx
Classification: Uncertain significance. Last evaluated: 2020-02-14. Review status: criteria provided, single submitter. Criteria: GeneDx Variant Classification Process June 2021. Collection method: clinical testing. Allele origin: germline. Affected: yes.
Comment: Not observed in large population cohorts (Lek et al., 2016); Has not been previously published as pathogenic or benign to our knowledge; In-silico analysis, which includes splice predictors and evolutionary conservation, is inconclusive as to whether the variant alters gene splicing. In the absence of RNA/functional studies, the actual effect of this sequence change is unknown.